The following is an entry in ClinVar:

NM_153717.3(EVC):c.721A>T (p.Lys241Ter)

Gene: EVC (EvC ciliary complex subunit 1; plus strand). Cytogenetic location: 4p16.2.
Variant type: single nucleotide variant.
Coding change: c.721A>T on transcript NM_153717.3 (MANE Select); coding-DNA position 721, A replaced by T.
Protein change: p.Lys241Ter; replaces lysine 241 with a stop codon.
Molecular consequence: nonsense.
Genome position (GRCh38, 1-based): chr4:5,741,734, A>T. VCF-style: chr4-5741734-A-T. GRCh37 (hg19) VCF-style: chr4-5743461-A-T.
Other names: c.721A>T (NM_153717.2); c.721A>T, p.Lys241Ter (NM_001306090.2, NM_001306092.2); short protein forms K241*.
Identifiers: ClinVar variation 1450918 (VCV001450918.8), dbSNP rs2152000498, ClinGen allele CA356147328.
Genomic context (GRCh38, chr4:5,741,734, plus strand): 5'-GATTAAACTTTTCTTTTGTTATCTTTCCTTTCTTGGCAATAGATGTTTATTCAGATTTTT[A>T]AAATGTGCCTCCTTGACCTTCTTCCTAAAAAGAAGTCAGATGATGAACTATACCAGAAGA-3'

ClinVar aggregate classification (germline): Pathogenic/Likely pathogenic. Review status: criteria provided, multiple submitters, no conflicts (2 of 4 stars). 2 submissions from 2 submitters: Pathogenic (1); Likely pathogenic (1). Last evaluated 2025-08-14.

Conditions:
Ellis-van Creveld syndrome (EVC). Also called: EVC-Related Ellis-van Creveld Syndrome; EVC2-Related Ellis-van Creveld Syndrome; MESOECTODERMAL DYSPLASIA; Chondroectodermal dysplasia. Identifiers: Orphanet 289, MedGen C0013903, MONDO:0009162, OMIM 225500.
Curry-Hall syndrome (WAD). Also called: WEYERS ACRODENTAL DYSOSTOSIS. Identifiers: Orphanet 952, MedGen C0457013, MONDO:0008673, OMIM 193530.

gnomAD v4.1: 1 of 1,570,138 alleles (0.000064%); highest among the groups gnomAD compares: Non-Finnish European, 0.000088%; no homozygotes.

Submissions (2):

Natera, Inc.
Classification: Likely pathogenic for Ellis-van Creveld syndrome. Last evaluated: 2025-08-14. Review status: criteria provided, single submitter. Criteria: Natera Variant Classification Schema (03/2026). Collection method: clinical testing. Allele origin: germline.
Comment: The c.721A>T variant in EVC is a nonsense variant predicted to introduce a stop codon at amino acid 241. This variant is expected to result in nonsense mediated decay, truncation, or a dysfunctional protein product. This variant is rare in the general population with a frequency below the threshold expected for the associated phenotype(s). Given the available evidence, this variant is classified as Likely Pathogenic.

Labcorp Genetics (formerly Invitae), Labcorp
Classification: Pathogenic for Curry-Hall syndrome; Ellis-van Creveld syndrome. Last evaluated: 2025-02-06. Review status: criteria provided, single submitter. Criteria: Invitae Variant Classification Sherloc (09022015). Collection method: clinical testing. Allele origin: germline.
Comment: This sequence change creates a premature translational stop signal (p.Lys241*) in the EVC gene. It is expected to result in an absent or disrupted protein product. Loss-of-function variants in EVC are known to be pathogenic (PMID: 23220543). This variant is not present in population databases (gnomAD no frequency). This variant has not been reported in the literature in individuals affected with EVC-related conditions. ClinVar contains an entry for this variant (Variation ID: 1450918). For these reasons, this variant has been classified as Pathogenic.

Literature cited by the submitters: PubMed 23220543 (cited by Labcorp Genetics (formerly Invitae), Labcorp).